The following is an entry in ClinVar:

NM_000051.4(ATM):c.5674+2T>C

Gene: ATM (ATM serine/threonine kinase; plus strand). Cytogenetic location: 11q22.3.
Variant type: single nucleotide variant.
Coding change: c.5674+2T>C on transcript NM_000051.4 (MANE Select); the canonical splice donor site of the intron after coding-DNA position 5674, T replaced by C.
Molecular consequence: splice donor variant.
Genome position (GRCh38, 1-based): chr11:108,304,854, T>C. VCF-style: chr11-108304854-T-C. GRCh37 (hg19) VCF-style: chr11-108175581-T-C.
Other names: c.5674+2T>C (NM_001351834.2).
Identifiers: ClinVar variation 5007769 (VCV005007769.2).
Genomic context (GRCh38, chr11:108,304,854, plus strand): 5'-CTGTCTTCGACACTTCTCGCAAACGAGCCGATCCACAACCCCTGCAAACTTGGATTCAGG[T>C]ATTCTATTAAATTTTTAACATTAATACTGTAAACTCAGTTCTAGAGAAAGATGGATTTAA-3'

ClinVar aggregate classification (germline): Likely pathogenic (1 of 4 stars; one submission).

Conditions:
Ataxia-telangiectasia syndrome (AT). Also called: LOUIS-BAR SYNDROME; Ataxia-telangiectasia, complementation group D; AT, COMPLEMENTATION GROUP C; ATAXIA-TELANGIECTASIA, COMPLEMENTATION GROUP A; ATAXIA-TELANGIECTASIA, FRESNO VARIANT; Ataxia-telangiectasia. Identifiers: Orphanet 100, MedGen C0004135, MONDO:0008840, OMIM 208900.
Familial cancer of breast. Also called: hereditary breast carcinoma; Hereditary breast cancer; BREAST CANCER, FAMILIAL. Identifiers: Orphanet 227535, MedGen C0346153, MONDO:0016419, OMIM 114480. Disease mechanism: loss of function.

Submission:

Juno Genomics, Hangzhou Juno Genomics, Inc
Classification: Likely pathogenic for Familial cancer of breast; Ataxia-telangiectasia syndrome. Review status: criteria provided, single submitter. Criteria: ACMG Guidelines, 2015. Collection method: clinical testing. Allele origin: germline.
Comment: Null variant in a gene where loss of function (LOF) is a known mechanism of disease.;Absent from controls (or at extremely low frequency if recessive) in Genome Aggregation Database.